The following is an entry in ClinVar:

ClinVar aggregate classification (germline): Uncertain significance (1 of 4 stars; one submission).

Submission:

GeneDx
Classification: Uncertain significance. Last evaluated: 2024-04-13. Review status: criteria provided, single submitter. Criteria: GeneDx Variant Classification Process June 2021. Collection method: clinical testing. Allele origin: germline. Affected: yes.
Comment: Not observed at significant frequency in large population cohorts (gnomAD); In silico analysis supports that this missense variant has a deleterious effect on protein structure/function; Has not been previously published as pathogenic or benign to our knowledge

NM_000052.7(ATP7A):c.4325A>C (p.Asp1442Ala)

Gene: ATP7A (ATPase copper transporting alpha; plus strand). Cytogenetic location: Xq21.1.
Variant type: single nucleotide variant.
Coding change: c.4325A>C on transcript NM_000052.7 (MANE Select); coding-DNA position 4325, A replaced by C.
Protein change: p.Asp1442Ala; replaces aspartic acid 1442 with alanine.
Molecular consequence: missense variant. On other transcripts: non-coding transcript variant (1).
Genome position (GRCh38, 1-based): chrX:78,046,392, A>C. VCF-style: chrX-78046392-A-C. GRCh37 (hg19) VCF-style: chrX-77301889-A-C.
Other names: c.4091A>C, p.Asp1364Ala (NM_001282224.2); short protein forms D1364A, D1442A.
Identifiers: ClinVar variation 3372253 (VCV003372253.1).